The following is an entry in ClinVar:

ClinVar aggregate classification (germline): Benign. Review status: criteria provided, multiple submitters, no conflicts (2 of 4 stars). 2 submissions from 2 submitters: Benign (2). Last evaluated 2018-06-14.

Allele frequency attached by ClinVar (database versions not stated): 1000 Genomes Project 0.04113; gnomAD exomes 0.00368; gnomAD 0.03521 and 0.03780; 1000 Genomes Project 30x 0.04403; TOPMed 0.03850.
gnomAD v4.1: 9,132 of 1,125,326 alleles (0.81%); highest among the groups gnomAD compares: African/African-American, 12%; 558 homozygotes.

Submissions (4):

GeneDx
Classification: Benign. Last evaluated: 2018-06-14. Review status: criteria provided, single submitter. Criteria: GeneDx Variant Classification (06012015). Collection method: clinical testing. Allele origin: germline. Affected: yes.
Comment: This variant is considered likely benign or benign based on one or more of the following criteria: it is a conservative change, it occurs at a poorly conserved position in the protein, it is predicted to be benign by multiple in silico algorithms, and/or has population frequency not consistent with disease.

Breakthrough Genomics
Classification: Benign. Review status: criteria provided, single submitter. Criteria: ACMG Guidelines, 2015. Collection method: not provided. Allele origin: germline. Inheritance: Autosomal dominant inheritance. Affected: yes.

Dr. Peter K. Rogan Lab, Western University
No classification provided (evidence only). Condition: Sarcoma. Review status: no classification provided. Collection method: in vitro. Allele origin: not applicable. Functional consequence: retained intron. Not counted in ClinVar's aggregate classification.

Dr. Peter K. Rogan Lab, Western University
No classification provided (evidence only). Condition: Thymoma. Review status: no classification provided. Collection method: in vitro. Allele origin: not applicable. Functional consequence: retained intron. Not counted in ClinVar's aggregate classification.

NM_020774.4(MIB1):c.703+71T>G

Gene: MIB1 (MIB E3 ubiquitin protein ligase 1; plus strand). Cytogenetic location: 18q11.2.
Variant type: single nucleotide variant.
Coding change: c.703+71T>G on transcript NM_020774.4 (MANE Select); 71 bases into the intron after coding-DNA position 703, T replaced by G.
Molecular consequence: intron variant.
Genome position (GRCh38, 1-based): chr18:21,778,240, T>G. VCF-style: chr18-21778240-T-G. GRCh37 (hg19) VCF-style: chr18-19358201-T-G.
Other names: NC_000018.9:g.19358201T>G.
Identifiers: ClinVar variation 679095 (VCV000679095.3), dbSNP rs3017038, ClinGen allele CA296981599.